The following is an entry in ClinVar:

NM_002451.4(MTAP):c.*1065A>G

Gene: MTAP (methylthioadenosine phosphorylase; plus strand). Cytogenetic location: 9p21.3.
Variant type: single nucleotide variant.
Coding change: c.*1065A>G on transcript NM_002451.4 (MANE Select); 1065 bases downstream of the stop codon, A replaced by G.
Molecular consequence: 3 prime UTR variant.
Genome position (GRCh38, 1-based): chr9:21,863,079, A>G. VCF-style: chr9-21863079-A-G. GRCh37 (hg19) VCF-style: chr9-21863078-A-G.
Identifiers: ClinVar variation 366271 (VCV000366271.5), dbSNP rs187215052, ClinGen allele CA10629776.

ClinVar aggregate classification (germline): Benign (1 of 4 stars; one submission).

Conditions:
Diaphyseal medullary stenosis-bone malignancy syndrome. Also called: MYOPATHY, LIMB-GIRDLE, WITH BONE FRAGILITY; BONE DYSPLASIA WITH MALIGNANT FIBROUS HISTIOCYTOMA; BONE DYSPLASIA WITH MEDULLARY FIBROSARCOMA. Identifiers: Orphanet 85182, MedGen C1862177, MONDO:0007205, OMIM 112250.

Allele frequency attached by ClinVar (database versions not stated): gnomAD exomes 0.00002; TOPMed 0.00046; gnomAD 0.00049 and 0.00050; 1000 Genomes Project 0.00080; 1000 Genomes Project 30x 0.00109.
gnomAD v4.1: 95 of 985,392 alleles (0.0096%); highest among the groups gnomAD compares: Admixed American, 0.45%; 1 homozygote.

Submission:

Illumina Laboratory Services, Illumina
Classification: Benign for Diaphyseal medullary stenosis-bone malignancy syndrome. Last evaluated: 2018-01-12. Review status: criteria provided, single submitter. Criteria: ICSL Variant Classification Criteria 13 December 2019. Collection method: clinical testing. Allele origin: germline.
Comment: This variant was observed in the ICSL laboratory as part of a predisposition screen in an ostensibly healthy population. It had not been previously curated by ICSL or reported in the Human Gene Mutation Database (HGMD: prior to June 1st, 2018), and was therefore a candidate for classification through an automated scoring system. Utilizing variant allele frequency, disease prevalence and penetrance estimates, and inheritance mode, an automated score was calculated to assess if this variant is too frequent to cause the disease. Based on the score and internal cut-off values, a variant classified as benign is not then subjected to further curation. The score for this variant resulted in a classification of benign for this disease.